The following is an entry in ClinVar:

NM_000557.5(GDF5):c.*425T>C

Genes: GDF5-AS1 (GDF5 antisense RNA 1; plus strand), GDF5 (growth differentiation factor 5; minus strand). Cytogenetic location: 20q11.22.
Variant type: single nucleotide variant.
Coding change: c.*425T>C on transcript NM_000557.5 (MANE Select); 425 bases downstream of the stop codon, T replaced by C.
Molecular consequence: 3 prime UTR variant.
Genome position (GRCh38, 1-based): chr20:35,433,484, A>G on the plus strand (T>C on the coding strand, the complement: GDF5 is on the minus strand). VCF-style: chr20-35433484-A-G. GRCh37 (hg19) VCF-style: chr20-34021282-A-G.
Other names: c.*425T>C (NM_001319138.2).
Identifiers: ClinVar variation 338310 (VCV000338310.7), dbSNP rs56366915, ClinGen allele CA10652485.

ClinVar aggregate classification (germline): Benign. Review status: criteria provided, multiple submitters, no conflicts (2 of 4 stars). 7 submissions from 3 submitters: Benign (7). Last evaluated 2021-05-12.

Conditions:
Brachydactyly. Also called: Brachydactyly syndrome; Brachydactyly (disease). Identifiers: MedGen C0221357, MONDO:0021004, HP:0001156.
Multiple synostoses syndrome 2 (SYNS2). Identifiers: Orphanet 3237, MedGen C1832708, MONDO:0012394, OMIM 610017.
Acromesomelic dysplasia 2B. Also called: DU PAN SYNDROME. Identifiers: Orphanet 2639, MedGen C1856738, MONDO:0009231, OMIM 228900.
Grebe syndrome. Also called: ACROMESOMELIC DYSPLASIA, GREBE TYPE; GREBE DYSPLASIA; ACROMESOMELIC DYSPLASIA 2A. Identifiers: Orphanet 2098, MedGen C0265260, MONDO:0008703, OMIM 200700.
Acromesomelic dysplasia 2C, Hunter-Thompson type. Also called: Acromesomelic dysplasia, Hunter-Thompson type. Identifiers: Orphanet 968, MedGen C2930970, MONDO:0008717, OMIM 201250.

Allele frequency attached by ClinVar (database versions not stated): gnomAD 0.04970 and 0.05667; TOPMed 0.05001; gnomAD exomes 0.08767; 1000 Genomes Project 30x 0.10166; 1000 Genomes Project 0.10843.
gnomAD v4.1: 24,767 of 338,590 alleles (7.3%); highest among the groups gnomAD compares: South Asian, 20%; 1,562 homozygotes.

Submissions (7):

GeneDx
Classification: Benign. Last evaluated: 2021-05-12. Review status: criteria provided, single submitter. Criteria: GeneDx Variant Classification Process June 2021. Collection method: clinical testing. Allele origin: germline. Affected: yes.
Comment: This variant is associated with the following publications: (PMID: 19565498)

Illumina Laboratory Services, Illumina
Classification: Benign for Multiple synostoses syndrome 2. Last evaluated: 2018-03-06. Review status: criteria provided, single submitter. Criteria: ICSL Variant Classification Criteria 13 December 2019. Collection method: clinical testing. Allele origin: germline.
Comment: This variant was observed in the ICSL laboratory as part of a predisposition screen in an ostensibly healthy population. It had not been previously curated by ICSL or reported in the Human Gene Mutation Database (HGMD: prior to June 1st, 2018), and was therefore a candidate for classification through an automated scoring system. Utilizing variant allele frequency, disease prevalence and penetrance estimates, and inheritance mode, an automated score was calculated to assess if this variant is too frequent to cause the disease. Based on the score and internal cut-off values, a variant classified as benign is not then subjected to further curation. The score for this variant resulted in a classification of benign for this disease.

Illumina Laboratory Services, Illumina
Classification: Benign for Grebe syndrome. Last evaluated: 2018-03-06. Review status: criteria provided, single submitter. Criteria: ICSL Variant Classification Criteria 13 December 2019. Collection method: clinical testing. Allele origin: germline.
Comment: the same text as in the submission from Illumina Laboratory Services, Illumina above.

Illumina Laboratory Services, Illumina
Classification: Benign for Brachydactyly. Last evaluated: 2018-03-06. Review status: criteria provided, single submitter. Criteria: ICSL Variant Classification Criteria 13 December 2019. Collection method: clinical testing. Allele origin: germline.
Comment: the same text as in the submission from Illumina Laboratory Services, Illumina above.

Illumina Laboratory Services, Illumina
Classification: Benign for Acromesomelic dysplasia 2C, Hunter-Thompson type. Last evaluated: 2018-03-06. Review status: criteria provided, single submitter. Criteria: ICSL Variant Classification Criteria 13 December 2019. Collection method: clinical testing. Allele origin: germline.
Comment: the same text as in the submission from Illumina Laboratory Services, Illumina above.

Illumina Laboratory Services, Illumina
Classification: Benign for Fibular hypoplasia and complex brachydactyly. Last evaluated: 2018-03-06. Review status: criteria provided, single submitter. Criteria: ICSL Variant Classification Criteria 13 December 2019. Collection method: clinical testing. Allele origin: germline.
Comment: the same text as in the submission from Illumina Laboratory Services, Illumina above.

Breakthrough Genomics
Classification: Benign. Review status: criteria provided, single submitter. Criteria: ACMG Guidelines, 2015. Collection method: not provided. Allele origin: germline. Inheritance: Autosomal recessive inheritance. Affected: yes.